The following is an entry in ClinVar:

NM_001999.4(FBN2):c.7346-3C>T

Gene: FBN2 (fibrillin 2; minus strand). Cytogenetic location: 5q23.3.
Variant type: single nucleotide variant.
Coding change: c.7346-3C>T on transcript NM_001999.4 (MANE Select); 3 bases into the intron before coding-DNA position 7346, C replaced by T.
Molecular consequence: intron variant.
Genome position (GRCh38, 1-based): chr5:128,278,008, G>A on the plus strand (C>T on the coding strand, the complement: FBN2 is on the minus strand). VCF-style: chr5-128278008-G-A. GRCh37 (hg19) VCF-style: chr5-127613700-G-A.
Identifiers: ClinVar variation 939650 (VCV000939650.10), dbSNP rs1439389862, ClinGen allele CA562713144.
Genomic context (GRCh38, chr5:128,278,008, plus strand): 5'-GTATTGATGCACTGACCATTGGTGCAGAGGTTTGGCATTACCTTACATTCATCAATATCT[G>A]TGGACCAAAACAACAAAAACAATCAGGAGTTAACATATATGCAAGGGTAAAACTGGTTAG-3'

ClinVar aggregate classification (germline): Uncertain significance (1 of 4 stars; one submission).

Conditions:
Congenital contractural arachnodactyly (CCA). Also called: Beals-Hecht syndrome; BEALS SYNDROME; Arthrogryposis, distal, type 9. Identifiers: Orphanet 115, MedGen C0220668, MONDO:0007363, OMIM 121050.

Allele frequency attached by ClinVar (database versions not stated): gnomAD exomes below 0.00001.
gnomAD v4.1: 3 of 1,613,944 alleles (0.00019%); highest among the groups gnomAD compares: Admixed American, 0.0017%; no homozygotes.

Submission:

Labcorp Genetics (formerly Invitae), Labcorp
Classification: Uncertain significance for Congenital contractural arachnodactyly. Last evaluated: 2025-07-27. Review status: criteria provided, single submitter. Criteria: Invitae Variant Classification Sherloc (09022015). Collection method: clinical testing. Allele origin: germline.
Comment: This sequence change falls in intron 57 of the FBN2 gene. It does not directly change the encoded amino acid sequence of the FBN2 protein. It affects a nucleotide within the consensus splice site. This variant is present in population databases (no rsID available, gnomAD 0.003%). This variant has not been reported in the literature in individuals affected with FBN2-related conditions. ClinVar contains an entry for this variant (Variation ID: 939650). Variants that disrupt the consensus splice site are a relatively common cause of aberrant splicing (PMID: 17576681, 9536098). Algorithms developed to predict the effect of sequence changes on RNA splicing suggest that this variant is not likely to affect RNA splicing. In summary, the available evidence is currently insufficient to determine the role of this variant in disease. Therefore, it has been classified as a Variant of Uncertain Significance.

Literature cited by the submitters: PubMed 17576681; PubMed 9536098.